The following is an entry in ClinVar:

NM_000135.4(FANCA):c.2321C>T (p.Pro774Leu)

Gene: FANCA (FA complementation group A; minus strand). Cytogenetic location: 16q24.3.
Variant type: single nucleotide variant.
Coding change: c.2321C>T on transcript NM_000135.4 (MANE Select); coding-DNA position 2321, C replaced by T.
Protein change: p.Pro774Leu; replaces proline 774 with leucine.
Molecular consequence: missense variant.
Genome position (GRCh38, 1-based): chr16:89,770,020, G>A on the plus strand (C>T on the coding strand, the complement: FANCA is on the minus strand). VCF-style: chr16-89770020-G-A. GRCh37 (hg19) VCF-style: chr16-89836428-G-A.
Other names: c.2321C>T, p.Pro774Leu (NM_001286167.3); short protein forms P774L.
Identifiers: ClinVar variation 3512665 (VCV003512665.2).
Genomic context (GRCh38, chr16:89,770,020, plus strand): 5'-GACTCACCCAGGTGCACGGCCAGGGCAGCCAACCCCAGCACATGTGGGGCACTCAGGCTC[G>A]GGCCCTGCAACGAGAATGAGGGTGGCAGAGCAGACTGCCCTCTTCCAAGCTGGAATTTTC-3'
Protein context (NP_000126.2, residues 764-784): RLCQLLRHQG[Pro774Leu]SLSAPHVLGL

ClinVar aggregate classification (germline): Uncertain significance. Review status: criteria provided, multiple submitters, no conflicts (2 of 4 stars). 2 submissions from 2 submitters: Uncertain significance (2). Last evaluated 2026-01-09.

Conditions:
Fanconi anemia (FA). Also called: Fanconi's anemia. Identifiers: Orphanet 84, MedGen C0015625, MeSH D005199, MONDO:0019391.
Inborn genetic diseases. Identifiers: MedGen C0950123, MeSH D030342.

gnomAD v4.1: 20 of 1,613,206 alleles (0.0012%); highest among the groups gnomAD compares: Admixed American, 0.0017%; no homozygotes.

Submissions (2):

Labcorp Genetics (formerly Invitae), Labcorp
Classification: Uncertain significance for Fanconi anemia. Last evaluated: 2026-01-09. Review status: criteria provided, single submitter. Criteria: Invitae Variant Classification Sherloc (09022015). Collection method: clinical testing. Allele origin: germline.
Comment: This sequence change replaces proline, which is neutral and non-polar, with leucine, which is neutral and non-polar, at codon 774 of the FANCA protein (p.Pro774Leu). This variant is present in population databases (rs759117757, gnomAD 0.003%). This variant has not been reported in the literature in individuals affected with FANCA-related conditions. ClinVar contains an entry for this variant (Variation ID: 3512665). Invitae Evidence Modeling of protein sequence and biophysical properties (such as structural, functional, and spatial information, amino acid conservation, physicochemical variation, residue mobility, and thermodynamic stability) has been performed for this missense variant. However, the output from this modeling did not meet the statistical confidence thresholds required to predict the impact of this variant on FANCA protein function. In summary, the available evidence is currently insufficient to determine the role of this variant in disease. Therefore, it has been classified as a Variant of Uncertain Significance.

Ambry Genetics
Classification: Uncertain significance for Inborn genetic diseases. Last evaluated: 2024-11-24. Review status: criteria provided, single submitter. Criteria: Ambry Variant Classification Scheme 2023. Collection method: clinical testing. Allele origin: germline.
Comment: The p.P774L variant (also known as c.2321C>T), located in coding exon 26 of the FANCA gene, results from a C to T substitution at nucleotide position 2321. The proline at codon 774 is replaced by leucine, an amino acid with similar properties. This amino acid position is conserved. In addition, the in silico prediction for this alteration is inconclusive. Based on the available evidence, the clinical significance of this variant remains unclear.